The following is an entry in ClinVar:

ClinVar aggregate classification (germline): Uncertain significance (1 of 4 stars; one submission).

Conditions:
Cardiovascular phenotype. Identifiers: MedGen CN230736.

gnomAD v4.1: 3 of 1,612,844 alleles (0.00019%); highest among the groups gnomAD compares: Non-Finnish European, 0.00025%; no homozygotes.

Submission:

Ambry Genetics
Classification: Uncertain significance for Cardiovascular phenotype. Last evaluated: 2025-04-05. Review status: criteria provided, single submitter. Criteria: Ambry Variant Classification Scheme 2023. Collection method: clinical testing. Allele origin: germline.
Comment: The p.G216V variant (also known as c.647G>T), located in coding exon 5 of the ABCG8 gene, results from a G to T substitution at nucleotide position 647. The glycine at codon 216 is replaced by valine, an amino acid with dissimilar properties. This amino acid position is conserved. In addition, this alteration is predicted to be deleterious by in silico analysis. Based on the available evidence, the clinical significance of this variant remains unclear.

NM_022437.3(ABCG8):c.647G>T (p.Gly216Val)

Gene: ABCG8 (ATP binding cassette subfamily G member 8; plus strand). Cytogenetic location: 2p21.
Variant type: single nucleotide variant.
Coding change: c.647G>T on transcript NM_022437.3 (MANE Select); coding-DNA position 647, G replaced by T.
Protein change: p.Gly216Val; replaces glycine 216 with valine.
Molecular consequence: missense variant.
Genome position (GRCh38, 1-based): chr2:43,852,439, G>T. VCF-style: chr2-43852439-G-T. GRCh37 (hg19) VCF-style: chr2-44079578-G-T.
Other names: c.647G>T, p.Gly216Val (NM_001357321.2); short protein forms G216V.
Identifiers: ClinVar variation 3992623 (VCV003992623.1).